The following is an entry in ClinVar:

ClinVar aggregate classification (germline): Conflicting classifications of pathogenicity. Review status: criteria provided, conflicting classifications (1 of 4 stars). 2 submissions from 2 submitters: Uncertain significance (1); Likely benign (1). Last evaluated 2022-04-24.

Conditions:
Cardiovascular phenotype. Identifiers: MedGen CN230736.
Arrhythmogenic right ventricular dysplasia 11. Also called: Arrhythmogenic Right Ventricular Dysplasia/Cardiomyopathy11; ARRHYTHMOGENIC RIGHT VENTRICULAR DYSPLASIA, FAMILIAL, 11; Arrhythmogenic right ventricular dysplasia 11 with mild palmoplantar keratoderma and woolly hair. Identifiers: MedGen C1864850, MONDO:0012506, OMIM 610476.

Submissions (2):

Labcorp Genetics (formerly Invitae), Labcorp
Classification: Likely benign for Arrhythmogenic right ventricular dysplasia 11. Last evaluated: 2022-04-24. Review status: criteria provided, single submitter. Criteria: Invitae Variant Classification Sherloc (09022015). Collection method: clinical testing. Allele origin: germline.

Ambry Genetics
Classification: Uncertain significance for Cardiovascular phenotype. Last evaluated: 2017-03-15. Review status: criteria provided, single submitter. Criteria: Ambry Variant Classification Scheme 2023. Collection method: clinical testing. Allele origin: germline.
Comment: The c.475-5T>C intronic variant results from a T to C substitution 5 nucleotides upstream from coding exon 5 in the DSC2 gene. This nucleotide position is highly conserved in available vertebrate species. Using the BDGP and ESEfinder splice site prediction tools, this alteration is not predicted to have any significant effect on this splice acceptor site; however, direct evidence is unavailable. Since supporting evidence is limited at this time, the clinical significance of this alteration remains unclear.

NM_024422.6(DSC2):c.475-5T>C

Gene: DSC2 (desmocollin 2; minus strand). Cytogenetic location: 18q12.1.
Variant type: single nucleotide variant.
Coding change: c.475-5T>C on transcript NM_024422.6 (MANE Select); 5 bases into the intron before coding-DNA position 475, T replaced by C.
Molecular consequence: intron variant.
Genome position (GRCh38, 1-based): chr18:31,089,599, A>G on the plus strand (T>C on the coding strand, the complement: DSC2 is on the minus strand). VCF-style: chr18-31089599-A-G. GRCh37 (hg19) VCF-style: chr18-28669562-A-G.
Other names: c.475-5T>C (NM_004949.5).
Identifiers: ClinVar variation 518636 (VCV000518636.9), dbSNP rs1555639919, ClinGen allele CA658799016.